The following is an entry in ClinVar:

ClinVar aggregate classification (germline): Uncertain significance. Review status: criteria provided, multiple submitters, no conflicts (2 of 4 stars). 2 submissions from 2 submitters: Uncertain significance (2). Last evaluated 2025-03-12.

Conditions:
Inborn genetic diseases. Identifiers: MedGen C0950123, MeSH D030342.

Submissions (2):

GeneDx
Classification: Uncertain significance. Last evaluated: 2025-03-12. Review status: criteria provided, single submitter. Criteria: GeneDx Variant Classification Process June 2021. Collection method: clinical testing. Allele origin: germline. Affected: yes.
Comment: Not observed at significant frequency in large population cohorts (gnomAD); In silico analysis supports that this missense variant has a deleterious effect on protein structure/function; Has not been previously published as pathogenic or benign to our knowledge

Ambry Genetics
Classification: Uncertain significance for Inborn genetic diseases. Last evaluated: 2021-10-12. Review status: criteria provided, single submitter. Criteria: Ambry Variant Classification Scheme 2023. Collection method: clinical testing. Allele origin: germline.

NM_015001.3(SPEN):c.403G>A (p.Gly135Arg)

Gene: SPEN (spen family transcriptional repressor; plus strand). Cytogenetic location: 1p36.21.
Variant type: single nucleotide variant.
Coding change: c.403G>A on transcript NM_015001.3 (MANE Select); coding-DNA position 403, G replaced by A.
Protein change: p.Gly135Arg; replaces glycine 135 with arginine.
Molecular consequence: missense variant.
Genome position (GRCh38, 1-based): chr1:15,873,135, G>A. VCF-style: chr1-15873135-G-A. GRCh37 (hg19) VCF-style: chr1-16199630-G-A.
Other names: short protein forms G135R.
Identifiers: ClinVar variation 2254293 (VCV002254293.3), dbSNP rs2522927905, ClinGen allele CA338597154.